The following is an entry in ClinVar:

ClinVar aggregate classification (germline): Pathogenic (1 of 4 stars; one submission).

Submission:

Labcorp Genetics (formerly Invitae), Labcorp
Classification: Pathogenic. Last evaluated: 2022-09-27. Review status: criteria provided, single submitter. Criteria: Invitae Variant Classification Sherloc (09022015). Collection method: clinical testing. Allele origin: germline.
Comment: For these reasons, this variant has been classified as Pathogenic. This variant has not been reported in the literature in individuals affected with TCIRG1-related conditions. This variant is not present in population databases (gnomAD no frequency). This sequence change creates a premature translational stop signal (p.Ser470Glnfs*20) in the TCIRG1 gene. It is expected to result in an absent or disrupted protein product. Loss-of-function variants in TCIRG1 are known to be pathogenic (PMID: 10888887, 10942435, 11532986, 19448635).

Literature cited by the submitters: PubMed 10888887; PubMed 10942435; PubMed 11532986; PubMed 19448635.

NM_006019.4(TCIRG1):c.1406_1407insA (p.Ser470fs)

Gene: TCIRG1 (T cell immune regulator 1, ATPase H+ transporting V0 subunit a3; plus strand). Cytogenetic location: 11q13.2.
Variant type: Insertion.
Coding change: c.1406_1407insA on transcript NM_006019.4 (MANE Select); coding-DNA positions 1406 to 1407, A inserted.
Protein change: p.Ser470fs; shifts the reading frame from serine 470.
Molecular consequence: frameshift variant.
Genome position: GRCh38 VCF-style: chr11-68047747-C-CA. GRCh37 (hg19) VCF-style: chr11-67815214-C-CA.
Other names: c.512_513insA, p.Ser172fs (NM_001351059.2); c.758_759insA, p.Ser254fs (NM_006053.4); short protein forms S172fs, S254fs, S470fs.
Identifiers: ClinVar variation 2056421 (VCV002056421.2), dbSNP rs2495647377, ClinGen allele CA2580084814.
Genomic context (GRCh38, chr11:68,047,747, plus strand): 5'-TTATGGGCCTGTTCTCCATCTACACCGGCTTCATCTACAACGAGTGCTTCAGTCGCGCCA[C>CA]CAGCATCTTCCCCTCGGGCTGGAGTGTGGCCGCCATGGCCAACCAGTCTGGCTGGAGGTG-3'